The following is an entry in ClinVar:

NM_020529.3(NFKBIA):c.14C>T (p.Ala5Val)

Genes: NFKBIA (NFKB inhibitor alpha; minus strand), LOC130055497 (ATAC-STARR-seq lymphoblastoid silent region 5676; plus strand). Cytogenetic location: 14q13.2.
Variant type: single nucleotide variant.
Coding change: c.14C>T on transcript NM_020529.3 (MANE Select); coding-DNA position 14, C replaced by T.
Protein change: p.Ala5Val; replaces alanine 5 with valine.
Molecular consequence: missense variant.
Genome position (GRCh38, 1-based): chr14:35,404,631, G>A on the plus strand (C>T on the coding strand, the complement: NFKBIA is on the minus strand). VCF-style: chr14-35404631-G-A. GRCh37 (hg19) VCF-style: chr14-35873837-G-A.
Other names: short protein forms A5V.
Identifiers: ClinVar variation 1310121 (VCV001310121.2), dbSNP rs2052771143, ClinGen allele CA389455504.
Genomic context (GRCh38, chr14:35,404,631, plus strand): 5'-AGCCGCTCCTTCTTCAGCCCGTCGCGGGGGCCCTCCATGGCCCACTCCTGGGGGCGCTCG[G>A]CCGCCTGGAACATGGCGCGGACGAGCTGCGGGCGCTGCTGCGGGTGCGCTGGGCCGCGGG-3'
Protein context (NP_065390.1, residues 1-15): MFQA[Ala5Val]ERPQEWAMEG

ClinVar aggregate classification (germline): Uncertain significance (1 of 4 stars; one submission).

Submission:

GeneDx
Classification: Uncertain significance. Last evaluated: 2019-11-14. Review status: criteria provided, single submitter. Criteria: GeneDx Variant Classification Process June 2021. Collection method: clinical testing. Allele origin: germline. Affected: yes.
Comment: Has not been previously published as pathogenic or benign to our knowledge; Not observed in large population cohorts (Lek et al., 2016); In silico analysis, which includes protein predictors and evolutionary conservation, supports that this variant does not alter protein structure/function